The following is an entry in ClinVar:

NM_004565.3(PEX14):c.585+7G>A

Genes: PEX14 (peroxisomal biogenesis factor 14; plus strand), LOC126805616 (CDK7 strongly-dependent group 2 enhancer GRCh37_chr1:10683990-10685189; plus strand). Cytogenetic location: 1p36.22.
Variant type: single nucleotide variant.
Coding change: c.585+7G>A on transcript NM_004565.3 (MANE Select); 7 bases into the intron after coding-DNA position 585, G replaced by A.
Molecular consequence: intron variant.
Genome position (GRCh38, 1-based): chr1:10,624,444, G>A. VCF-style: chr1-10624444-G-A. GRCh37 (hg19) VCF-style: chr1-10684501-G-A.
Identifiers: ClinVar variation 4991409 (VCV004991409.1).

ClinVar aggregate classification (germline): Likely benign (1 of 4 stars; one submission).

Conditions:
PEX14-related disorder. Also called: PEX14-related condition.

gnomAD v4.1: 4 of 1,588,108 alleles (0.00025%); highest among the groups gnomAD compares: Non-Finnish European, 0.00035%; no homozygotes.

Submission:

PreventionGenetics, part of Exact Sciences
Classification: Likely benign for PEX14-related condition. Last evaluated: 2026-04-29. Review status: criteria provided, single submitter. Criteria: ACMG Guidelines, 2015. Collection method: clinical testing. Allele origin: germline.
Comment: This variant is classified as likely benign based on ACMG/AMP sequence variant interpretation guidelines (Richards et al. 2015 PMID: 25741868, with internal and published modifications).